The following is an entry in ClinVar:

NM_001267550.2(TTN):c.65280T>C (p.Pro21760=)

Genes: TTN (titin; minus strand), TTN-AS1 (TTN antisense RNA 1; plus strand). Cytogenetic location: 2q31.2.
Variant type: single nucleotide variant.
Coding change: c.65280T>C on transcript NM_001267550.2 (MANE Select); coding-DNA position 65280, T replaced by C.
Protein change: p.Pro21760=; no amino-acid change (proline 21760 retained).
Molecular consequence: synonymous variant. On other transcripts: non-coding transcript variant (1).
Genome position (GRCh38, 1-based): chr2:178,583,902, A>G on the plus strand (T>C on the coding strand, the complement: TTN is on the minus strand). VCF-style: chr2-178583902-A-G. GRCh37 (hg19) VCF-style: chr2-179448629-A-G.
Other names: c.60357T>C, p.Pro20119= (NM_001256850.1); c.38085T>C, p.Pro12695= (NM_003319.4); c.57576T>C, p.Pro19192= (NM_133378.4); c.38460T>C, p.Pro12820= (NM_133432.3); c.38661T>C, p.Pro12887= (NM_133437.4).
Identifiers: ClinVar variation 794210 (VCV000794210.14), dbSNP rs374177732, ClinGen allele CA1991731.

ClinVar aggregate classification (germline): Likely benign. Review status: criteria provided, multiple submitters, no conflicts (2 of 4 stars). 3 submissions from 3 submitters: Likely benign (3). Last evaluated 2026-04-16.

Conditions:
Autosomal recessive limb-girdle muscular dystrophy type 2J (LGMDR10). Also called: Limb-girdle muscular dystrophy, type 2J; MUSCULAR DYSTROPHY, LIMB-GIRDLE, AUTOSOMAL RECESSIVE 10. Identifiers: Orphanet 140922, MedGen C1837342, MONDO:0012127, OMIM 608807.
Dilated cardiomyopathy 1G (CMD1G). Identifiers: Orphanet 154, MedGen C1858763, MONDO:0011400, OMIM 604145.
Cardiovascular phenotype. Identifiers: MedGen CN230736.
TTN-related disorder. Also called: TTN-related disorders; TTN-related condition; TTN-related disease.

Allele frequency attached by ClinVar (database versions not stated): gnomAD exomes below 0.00001 and 0.00001; TOPMed below 0.00001; ExAC 0.00002; gnomAD 0.00002; ESP Exome Variant Server 0.00008.
gnomAD v4.1: 9 of 1,564,214 alleles (0.00058%); highest among the groups gnomAD compares: African/African-American, 0.0014%; no homozygotes.

Submissions (3):

PreventionGenetics, part of Exact Sciences
Classification: Likely benign for TTN-related condition. Last evaluated: 2026-04-16. Review status: criteria provided, single submitter. Criteria: ACMG Guidelines, 2015. Collection method: clinical testing. Allele origin: germline.
Comment: This variant is classified as likely benign based on ACMG/AMP sequence variant interpretation guidelines (Richards et al. 2015 PMID: 25741868, with internal and published modifications).

Labcorp Genetics (formerly Invitae), Labcorp
Classification: Likely benign for Dilated cardiomyopathy 1G; Autosomal recessive limb-girdle muscular dystrophy type 2J. Last evaluated: 2025-01-26. Review status: criteria provided, single submitter. Criteria: Invitae Variant Classification Sherloc (09022015). Collection method: clinical testing. Allele origin: germline.

Ambry Genetics
Classification: Likely benign for Cardiovascular phenotype. Last evaluated: 2019-07-14. Review status: criteria provided, single submitter. Criteria: Ambry Variant Classification Scheme 2023. Collection method: clinical testing. Allele origin: germline.